The following is an entry in ClinVar:

NM_002458.3(MUC5B):c.11597C>T (p.Pro3866Leu)

Genes: MUC5B (mucin 5B, oligomeric mucus/gel-forming; plus strand), MUC5B-AS1 (MUC5B antisense RNA 1; minus strand). Cytogenetic location: 11p15.5.
Variant type: single nucleotide variant.
Coding change: c.11597C>T on transcript NM_002458.3 (MANE Select); coding-DNA position 11597, C replaced by T.
Protein change: p.Pro3866Leu; replaces proline 3866 with leucine.
Molecular consequence: missense variant.
Genome position (GRCh38, 1-based): chr11:1,248,477, C>T. VCF-style: chr11-1248477-C-T. GRCh37 (hg19) VCF-style: chr11-1269707-C-T.
Other names: short protein forms P3866L.
Identifiers: ClinVar variation 403170 (VCV000403170.8), dbSNP rs187569173, ClinGen allele CA5807710.

ClinVar aggregate classification (germline): Benign. Review status: criteria provided, multiple submitters, no conflicts (2 of 4 stars). 3 submissions from 3 submitters: Benign (3). Last evaluated 2021-06-09.

Allele frequency attached by ClinVar (database versions not stated): ESP Exome Variant Server 0.03063; 1000 Genomes Project 30x 0.04060; 1000 Genomes Project 0.04513; gnomAD 0.05047 and 0.05072; ExAC 0.05609.
gnomAD v4.1: 87,355 of 1,568,910 alleles (5.6%); highest among the groups gnomAD compares: Admixed American, 13%; 6,121 homozygotes.

Submissions (3):

GeneDx
Classification: Benign. Last evaluated: 2021-06-09. Review status: criteria provided, single submitter. Criteria: GeneDx Variant Classification Process June 2021. Collection method: clinical testing. Allele origin: germline. Affected: yes.

Laboratory for Molecular Medicine, Mass General Brigham Personalized Medicine
Classification: Benign. Last evaluated: 2016-03-28. Review status: criteria provided, single submitter. Criteria: LMM Criteria. Collection method: clinical testing. Allele origin: germline.
Comment: Variant identified in a genome or exome case(s) and assessed due to predicted null impact of the variant or pathogenic assertions in the literature or databases. Disclaimer: This variant has not undergone full assessment. The following are preliminary notes: Frequency

Breakthrough Genomics
Classification: Benign. Review status: criteria provided, single submitter. Criteria: ACMG Guidelines, 2015. Collection method: not provided. Allele origin: germline. Inheritance: Autosomal dominant inheritance. Affected: yes.